The following is an entry in ClinVar:

ClinVar aggregate classification (germline): Benign (0 of 4 stars; one submission).

Conditions:
PTPRS-related disorder. Also called: PTPRS-related condition.

Allele frequency attached by ClinVar (database versions not stated): gnomAD exomes 0.00398; ExAC 0.01334; 1000 Genomes Project 0.03754; 1000 Genomes Project 30x 0.04044; gnomAD 0.04223; TOPMed 0.04790; ESP Exome Variant Server 0.05044.
gnomAD v4.1: 12,482 of 1,614,004 alleles (0.77%); highest among the groups gnomAD compares: African/African-American, 15%; 884 homozygotes.

Submission:

PreventionGenetics, part of Exact Sciences
Classification: Benign for PTPRS-related condition. Last evaluated: 2020-01-20. Review status: no assertion criteria provided. Collection method: clinical testing. Allele origin: germline.
Comment: This variant is classified as benign based on ACMG/AMP sequence variant interpretation guidelines (Richards et al. 2015 PMID: 25741868, with internal and published modifications).

NM_002850.4(PTPRS):c.4944C>T (p.Ala1648=)

Gene: PTPRS (protein tyrosine phosphatase receptor type S; minus strand). Cytogenetic location: 19p13.3.
Variant type: single nucleotide variant.
Coding change: c.4944C>T on transcript NM_002850.4 (MANE Select); coding-DNA position 4944, C replaced by T.
Protein change: p.Ala1648=; no amino-acid change (alanine 1648 retained).
Molecular consequence: synonymous variant.
Genome position (GRCh38, 1-based): chr19:5,212,076, G>A on the plus strand (C>T on the coding strand, the complement: PTPRS is on the minus strand). VCF-style: chr19-5212076-G-A. GRCh37 (hg19) VCF-style: chr19-5212087-G-A.
Other names: c.4878C>T, p.Ala1626= (NM_001394011.1); c.4857C>T, p.Ala1619= (NM_001394012.1); c.4818C>T, p.Ala1606= (NM_001394013.1); c.3603C>T, p.Ala1201= (NM_130853.3); c.4830C>T, p.Ala1610= (NM_130854.3); c.3615C>T, p.Ala1205= (NM_130855.3).
Identifiers: ClinVar variation 3041830 (VCV003041830.2), dbSNP rs61729775, ClinGen allele CA9108938.